The following is an entry in ClinVar:

NM_001407.3(CELSR3):c.5059C>T (p.His1687Tyr)

Gene: CELSR3 (cadherin EGF LAG seven-pass G-type receptor 3; minus strand). Cytogenetic location: 3p21.31.
Variant type: single nucleotide variant.
Coding change: c.5059C>T on transcript NM_001407.3 (MANE Select); coding-DNA position 5059, C replaced by T.
Protein change: p.His1687Tyr; replaces histidine 1687 with tyrosine.
Molecular consequence: missense variant.
Genome position (GRCh38, 1-based): chr3:48,654,382, G>A on the plus strand (C>T on the coding strand, the complement: CELSR3 is on the minus strand). VCF-style: chr3-48654382-G-A. GRCh37 (hg19) VCF-style: chr3-48691815-G-A.
Other names: short protein forms H1687Y.
Identifiers: ClinVar variation 2672071 (VCV002672071.1), dbSNP rs1021990044, ClinGen allele CA74011481.

ClinVar aggregate classification (germline): Likely pathogenic (0 of 4 stars; one submission).

Allele frequency attached by ClinVar (database versions not stated): gnomAD exomes 0.00001; gnomAD 0.00002.
gnomAD v4.1: 11 of 1,611,084 alleles (0.00068%); highest among the groups gnomAD compares: Non-Finnish European, 0.00093%; no homozygotes.

Submission:

Institute of Anatomy and Cell Biology, Medical Faculty, University Of Bonn
Classification: Likely pathogenic. Last evaluated: 2023-08-16. Review status: no assertion criteria provided. Collection method: clinical testing. Allele origin: inherited. Affected: yes.
Comment: This variant was observed in compound heterozygosity with variant c.7075C>T